The following is an entry in ClinVar:

NM_001126108.2(SLC12A3):c.1072del (p.Ala358fs)

Gene: SLC12A3 (solute carrier family 12 member 3; plus strand). Cytogenetic location: 16q13.
Variant type: Deletion.
Coding change: c.1072del on transcript NM_001126108.2 (MANE Select); coding-DNA position 1072, one base deleted (G; older notation c.1072delG).
Protein change: p.Ala358fs; shifts the reading frame from alanine 358.
Molecular consequence: frameshift variant.
Genome position (GRCh38, 1-based): chr16:56,872,763, G deleted; the last of 4 consecutive G bases (chr16:56,872,760-56,872,763); deleting any one gives the same sequence. VCF-style (leftmost placement, unchanged base first): chr16-56872759-AG-A. GRCh37 (hg19) VCF-style: chr16-56906671-AG-A.
Other names: c.1072del, p.Ala358fs (NM_000339.3); c.1069del, p.Ala357fs (NM_001126107.2, NM_001410896.1); short protein forms A358fs, A357fs.
Identifiers: ClinVar variation 2780345 (VCV002780345.3), dbSNP rs2543488957, ClinGen allele CA2695223687.

ClinVar aggregate classification (germline): Pathogenic (1 of 4 stars; one submission).

Submission:

Labcorp Genetics (formerly Invitae), Labcorp
Classification: Pathogenic. Last evaluated: 2023-05-21. Review status: criteria provided, single submitter. Criteria: Invitae Variant Classification Sherloc (09022015). Collection method: clinical testing. Allele origin: germline.
Comment: This sequence change creates a premature translational stop signal (p.Ala358Profs*12) in the SLC12A3 gene. It is expected to result in an absent or disrupted protein product. Loss-of-function variants in SLC12A3 are known to be pathogenic (PMID: 20848653, 22009145, 25841442). For these reasons, this variant has been classified as Pathogenic. This premature translational stop signal has been observed in individual(s) with Gitelman syndrome (PMID: 33462018). This variant is not present in population databases (gnomAD no frequency).

Literature cited by the submitters: PubMed 20848653; PubMed 22009145; PubMed 25841442; PubMed 33462018.